The following is an entry in ClinVar:

NM_001267550.2(TTN):c.92519T>C (p.Leu30840Ser)

Genes: TTN (titin; minus strand), TTN-AS1 (TTN antisense RNA 1; plus strand). Cytogenetic location: 2q31.2.
Variant type: single nucleotide variant.
Coding change: c.92519T>C on transcript NM_001267550.2 (MANE Select); coding-DNA position 92519, T replaced by C.
Protein change: p.Leu30840Ser; replaces leucine 30840 with serine.
Molecular consequence: missense variant.
Genome position (GRCh38, 1-based): chr2:178,549,107, A>G on the plus strand (T>C on the coding strand, the complement: TTN is on the minus strand). VCF-style: chr2-178549107-A-G. GRCh37 (hg19) VCF-style: chr2-179413834-A-G.
Other names: c.87596T>C, p.Leu29199Ser (NM_001256850.1); c.65324T>C, p.Leu21775Ser (NM_003319.4); c.84815T>C, p.Leu28272Ser (NM_133378.4); c.65699T>C, p.Leu21900Ser (NM_133432.3); c.65900T>C, p.Leu21967Ser (NM_133437.4); short protein forms L21775S, L21900S, L21967S, L28272S, L29199S, L30840S.
Identifiers: ClinVar variation 1806613 (VCV001806613.1), dbSNP rs1466809738, ClinGen allele CA349492973.

ClinVar aggregate classification (germline): Uncertain significance (1 of 4 stars; one submission).

Allele frequency attached by ClinVar (database versions not stated): TOPMed below 0.00001; gnomAD exomes 0.00001.
gnomAD v4.1: 7 of 1,613,874 alleles (0.00043%); highest among the groups gnomAD compares: South Asian, 0.0022%; no homozygotes.

Submission:

GeneDx
Classification: Uncertain significance. Last evaluated: 2022-06-21. Review status: criteria provided, single submitter. Criteria: GeneDx Variant Classification Process June 2021. Collection method: clinical testing. Allele origin: germline. Affected: yes.
Comment: Not observed at significant frequency in large population cohorts (gnomAD); Missense variant in a gene in which most reported pathogenic variants are truncating/loss of function; Has not been previously published as pathogenic or benign to our knowledge